The following is an entry in ClinVar:

NM_032242.4(PLXNA1):c.3201G>T (p.Thr1067=)

Gene: PLXNA1 (plexin A1; plus strand). Cytogenetic location: 3q21.3.
Variant type: single nucleotide variant.
Coding change: c.3201G>T on transcript NM_032242.4 (MANE Select); coding-DNA position 3201, G replaced by T.
Protein change: p.Thr1067=; no amino-acid change (threonine 1067 retained).
Molecular consequence: synonymous variant.
Genome position (GRCh38, 1-based): chr3:127,016,962, G>T. VCF-style: chr3-127016962-G-T. GRCh37 (hg19) VCF-style: chr3-126735805-G-T.
Identifiers: ClinVar variation 3358368 (VCV003358368.1).
Genomic context (GRCh38, chr3:127,016,962, plus strand): 5'-CCAGCATCATTTGGTGACCCCCCCACCCCTGTCCTGTTCCAGCGGTGGGACCCTCCTGAC[G>T]GTCACAGGCACCAACCTGGCCACTGTCCGTGAACCCCGAATCCGGGCCAAGTATGGAGGC-3'
Protein context (NP_115618.3, residues 1057-1077): WSINSGGTLL[Thr1067=]VTGTNLATVR

ClinVar aggregate classification (germline): Uncertain significance (0 of 4 stars; one submission).

Conditions:
PLXNA1-related disorder. Also called: PLXNA1-related condition.

gnomAD v4.1: 27 of 1,613,088 alleles (0.0017%); highest among the groups gnomAD compares: Admixed American, 0.018%; 1 homozygote.

Submission:

PreventionGenetics, part of Exact Sciences
Classification: Uncertain significance for PLXNA1-related condition. Last evaluated: 2024-03-20. Review status: no assertion criteria provided. Collection method: clinical testing. Allele origin: germline.
Comment: The PLXNA1 c.3201G>T variant is not predicted to result in an amino acid change (p.=). To our knowledge, this variant has not been reported in the literature. This variant is reported in 0.023% of alleles in individuals of Latino descent in gnomAD. This variant is predicted to alter splicing based on available splicing prediction software (SpliceAI, Jaganathan et al. 2019. PubMed ID: 30661751). However, the use of computer prediction softwares is not equivalent to functional evidence. At this time, the clinical significance of this variant is uncertain due to the absence of conclusive functional and genetic evidence.